The following is an entry in ClinVar:

ClinVar aggregate classification (germline): Uncertain significance. Review status: criteria provided, multiple submitters, no conflicts (2 of 4 stars). 2 submissions from 2 submitters: Uncertain significance (2). Last evaluated 2026-01-18.

Conditions:
Epilepsy, childhood absence, susceptibility to, 1. Also called: Epilepsy, childhood absence 1. Identifiers: Orphanet 64280, MedGen C1838604, MONDO:0020759, OMIM 600131.
Epilepsy, childhood absence, susceptibility to, 5. Identifiers: Orphanet 64280, MedGen C2677087, MONDO:0012843, OMIM 612269.

gnomAD v4.1: 2 of 1,614,062 alleles (0.00012%); highest among the groups gnomAD compares: Non-Finnish European, 0.000085%; no homozygotes.

Submissions (2):

Labcorp Genetics (formerly Invitae), Labcorp
Classification: Uncertain significance for Epilepsy, childhood absence, susceptibility to, 5; Epilepsy, childhood absence, susceptibility to, 1. Last evaluated: 2026-01-18. Review status: criteria provided, single submitter. Criteria: Invitae Variant Classification Sherloc (09022015). Collection method: clinical testing. Allele origin: germline.
Comment: This sequence change replaces valine, which is neutral and non-polar, with methionine, which is neutral and non-polar, at codon 455 of the GABRB3 protein (p.Val455Met). This variant is not present in population databases (gnomAD no frequency). This variant has not been reported in the literature in individuals affected with GABRB3-related conditions. Invitae Evidence Modeling of protein sequence and biophysical properties (such as structural, functional, and spatial information, amino acid conservation, physicochemical variation, residue mobility, and thermodynamic stability) indicates that this missense variant is not expected to disrupt GABRB3 protein function with a negative predictive value of 95%. In summary, the available evidence is currently insufficient to determine the role of this variant in disease. Therefore, it has been classified as a Variant of Uncertain Significance.

CeGaT Center for Human Genetics Tuebingen
Classification: Uncertain significance. Last evaluated: 2025-12-01. Review status: criteria provided, single submitter. Criteria: CeGaT Center For Human Genetics Tuebingen Variant Classification Criteria Version 2. Collection method: clinical testing. Allele origin: germline. Affected: yes. Observed: 1 variant allele.
Comment: GABRB3: PM2:Supporting

NM_000814.6(GABRB3):c.1363G>A (p.Val455Met)

Gene: GABRB3 (gamma-aminobutyric acid type A receptor subunit beta3; minus strand). Cytogenetic location: 15q12.
Variant type: single nucleotide variant.
Coding change: c.1363G>A on transcript NM_000814.6 (MANE Select); coding-DNA position 1363, G replaced by A.
Protein change: p.Val455Met; replaces valine 455 with methionine.
Molecular consequence: missense variant.
Genome position (GRCh38, 1-based): chr15:26,547,852, C>T on the plus strand (G>A on the coding strand, the complement: GABRB3 is on the minus strand). VCF-style: chr15-26547852-C-T. GRCh37 (hg19) VCF-style: chr15-26792999-C-T.
Other names: c.1108G>A, p.Val370Met (NM_001191320.2, NM_001278631.2); c.1150G>A, p.Val384Met (NM_001191321.3); c.1363G>A, p.Val455Met (NM_021912.5); short protein forms V370M, V384M, V455M.
Identifiers: ClinVar variation 4681580 (VCV004681580.6).